The following is an entry in ClinVar:

ClinVar aggregate classification (germline): Conflicting classifications of pathogenicity. Review status: criteria provided, conflicting classifications (1 of 4 stars). 2 submissions from 2 submitters: Likely pathogenic (1); Uncertain significance (1). Last evaluated 2022-10-23.

Conditions:
Chondrodysplasia with joint dislocations, gPAPP type. Also called: GPAPP DEFICIENCY. Identifiers: Orphanet 280586, MedGen C3279757, MONDO:0013561, OMIM 614078.

Submissions (2):

Baylor Genetics
Classification: Likely pathogenic for Chondrodysplasia with joint dislocations, gPAPP type. Last evaluated: 2022-10-23. Review status: criteria provided, single submitter. Criteria: ACMG Guidelines, 2015. Collection method: clinical testing. Allele origin: unknown.

Labcorp Genetics (formerly Invitae), Labcorp
Classification: Uncertain significance. Last evaluated: 2022-06-02. Review status: criteria provided, single submitter. Criteria: Invitae Variant Classification Sherloc (09022015). Collection method: clinical testing. Allele origin: germline.
Comment: This sequence change creates a premature translational stop signal (p.His314Ilefs*2) in the IMPAD1 gene. While this is not anticipated to result in nonsense mediated decay, it is expected to disrupt the last 46 amino acid(s) of the IMPAD1 protein. The frequency data for this variant in the population databases is considered unreliable, as metrics indicate poor data quality at this position in the gnomAD database. This premature translational stop signal has been observed in individual(s) with IMPAD1-related conditions (PMID: 31130284). In summary, the available evidence is currently insufficient to determine the role of this variant in disease. Therefore, it has been classified as a Variant of Uncertain Significance.

Literature cited by the submitters: PubMed 31130284 (cited by Labcorp Genetics (formerly Invitae), Labcorp).

NM_017813.5(BPNT2):c.939del (p.His314fs)

Gene: BPNT2 (3'(2'), 5'-bisphosphate nucleotidase 2; minus strand). Cytogenetic location: 8q12.1.
Variant type: Deletion.
Coding change: c.939del on transcript NM_017813.5 (MANE Select); coding-DNA position 939, one base deleted (G; older notation c.939delG).
Protein change: p.His314fs; shifts the reading frame from histidine 314.
Molecular consequence: frameshift variant.
Genome position (GRCh38, 1-based): chr8:56,963,934, C deleted on the plus strand (G on the coding strand, the reverse complement: BPNT2 is on the minus strand); the first of 6 consecutive C bases (chr8:56,963,934-56,963,939); deleting any one gives the same sequence. VCF-style (leftmost placement, unchanged base first): chr8-56963933-GC-G. GRCh37 (hg19) VCF-style: chr8-57876492-GC-G.
Other names: short protein forms H314fs.
Identifiers: ClinVar variation 1905819 (VCV001905819.6), dbSNP rs772424020, ClinGen allele CA4755770.